The following is an entry in ClinVar:

NM_000400.4(ERCC2):c.1670T>A (p.Ile557Asn)

Gene: ERCC2 (ERCC excision repair 2, TFIIH core complex helicase subunit; minus strand). Cytogenetic location: 19q13.32.
Variant type: single nucleotide variant.
Coding change: c.1670T>A on transcript NM_000400.4 (MANE Select); coding-DNA position 1670, T replaced by A.
Protein change: p.Ile557Asn; replaces isoleucine 557 with asparagine.
Molecular consequence: missense variant.
Genome position (GRCh38, 1-based): chr19:45,353,330, A>T on the plus strand (T>A on the coding strand, the complement: ERCC2 is on the minus strand). VCF-style: chr19-45353330-A-T. GRCh37 (hg19) VCF-style: chr19-45856588-A-T.
Other names: short protein forms I557N.
Identifiers: ClinVar variation 1777681 (VCV001777681.2), dbSNP rs2514002936, ClinGen allele CA406364541.

ClinVar aggregate classification (germline): Uncertain significance (1 of 4 stars; one submission).

Conditions:
Inborn genetic diseases. Identifiers: MedGen C0950123, MeSH D030342.

Submission:

Ambry Genetics
Classification: Uncertain significance for Inborn genetic diseases. Last evaluated: 2021-12-25. Review status: criteria provided, single submitter. Criteria: Ambry Variant Classification Scheme 2023. Collection method: clinical testing. Allele origin: germline.
Comment: The p.I557N variant (also known as c.1670T>A), located in coding exon 18 of the ERCC2 gene, results from a T to A substitution at nucleotide position 1670. The isoleucine at codon 557 is replaced by asparagine, an amino acid with dissimilar properties. This amino acid position is conserved. In addition, this alteration is predicted to be deleterious by in silico analysis. Since supporting evidence is limited at this time, the clinical significance of this alteration remains unclear.